The following is an entry in ClinVar:

NM_033305.3(VPS13A):c.8510_8511insGATCACAGATGTGT (p.Ser2838fs)

Gene: VPS13A (vacuolar protein sorting 13 homolog A; plus strand). Cytogenetic location: 9q21.2.
Variant type: Insertion.
Coding change: c.8510_8511insGATCACAGATGTGT on transcript NM_033305.3 (MANE Select); coding-DNA positions 8510 to 8511, GATCACAGATGTGT inserted.
Protein change: p.Ser2838fs; shifts the reading frame from serine 2838.
Molecular consequence: frameshift variant.
Genome position: GRCh38 VCF-style: chr9-77368093-C-CGATCACAGATGTGT. GRCh37 (hg19) VCF-style: chr9-79983009-C-CGATCACAGATGTGT.
Other names: c.8393_8394insGATCACAGATGTGT, p.Ser2799fs (NM_001018037.2); c.8510_8511insGATCACAGATGTGT, p.Ser2838fs (NM_001018038.3, NM_015186.4); short protein forms S2799fs, S2838fs.
Identifiers: ClinVar variation 5016439 (VCV005016439.1).

ClinVar aggregate classification (germline): Pathogenic (1 of 4 stars; one submission).

Conditions:
VPS13A-related neurodegenerative disease. Also called: ACANTHOCYTOSIS WITH NEUROLOGIC DISORDER; LEVINE-CRITCHLEY SYNDROME; Choreoacanthocytosis; Chorea-acanthocytosis; Choreaacanthocytosis; VPS13A Disease. Identifiers: Orphanet 2388, MedGen C0393576, MONDO:0008695, OMIM 200150.

Submission:

Myriad Genetics, Inc.
Classification: Pathogenic for VPS13A-related neurodegenerative disease. Last evaluated: 2024-05-14. Review status: criteria provided, single submitter. Criteria: Myriad Autosomal Dominant, Autosomal Recessive and X-Linked Classification Criteria (2023). Collection method: clinical testing. Allele origin: unknown.
Comment: NM_033305.2(VPS13A):c.8510_8511ins14(S2838Ifs*13) is expected to be pathogenic in the context of VPS13A disease. This variant is predicted to lead to an abnormal or absent protein product due to the creation of a premature termination codon in VPS13A, a gene where loss-of-function variants are known to be pathogenic. Please note: this variant was assessed in the context of healthy population screening.